The following is an entry in ClinVar:

NM_024417.5(FDXR):c.1127A>T (p.Lys376Met)

Gene: FDXR (ferredoxin reductase; minus strand). Cytogenetic location: 17q25.1.
Variant type: single nucleotide variant.
Coding change: c.1127A>T on transcript NM_024417.5 (MANE Select); coding-DNA position 1127, A replaced by T.
Protein change: p.Lys376Met; replaces lysine 376 with methionine.
Molecular consequence: missense variant. On other transcripts: non-coding transcript variant (1).
Genome position (GRCh38, 1-based): chr17:74,863,943, T>A on the plus strand (A>T on the coding strand, the complement: FDXR is on the minus strand). VCF-style: chr17-74863943-T-A. GRCh37 (hg19) VCF-style: chr17-72860065-T-A.
Other names: c.1256A>T, p.Lys419Met (NM_001258012.4); c.1220A>T, p.Lys407Met (NM_001258013.4); c.1103A>T, p.Lys368Met (NM_001258014.4); c.1007A>T, p.Lys336Met (NM_001258015.3); c.971A>T, p.Lys324Met (NM_001258016.3); c.1145A>T, p.Lys382Met (NM_004110.6); short protein forms K376M, K324M, K407M, K336M, K419M, K368M, K382M.
Identifiers: ClinVar variation 5000251 (VCV005000251.1).
Genomic context (GRCh38, chr17:74,863,943, plus strand): 5'-CACACCCTCTCACCTGGCACATCCATAACCCGGCCCTCCACATTGGGGATGACCCCAAGC[T>A]TGGAGTCAAAGGGCACGCTTGGGTCGACAGGGCGGCTCTTATACCCAATGCTGCTGAGCA-3'
Protein context (NP_077728.3, residues 366-386): PVDPSVPFDS[Lys376Met]LGVIPNVEGR

ClinVar aggregate classification (germline): Uncertain significance (1 of 4 stars; one submission).

Conditions:
FDXR-related disorder. Also called: FDXR-related condition; FDXR-related disorders.

Submission:

PreventionGenetics, part of Exact Sciences
Classification: Uncertain significance for FDXR-related condition. Last evaluated: 2025-04-03. Review status: criteria provided, single submitter. Criteria: ACMG Guidelines, 2015. Collection method: clinical testing. Allele origin: germline.
Comment: The FDXR c.1127A>T variant is predicted to result in the amino acid substitution p.Lys376Met. To our knowledge, this variant has not been reported in the literature or in a large population database (gnomAD), indicating this variant is rare. At this time, the clinical significance of this variant is uncertain due to the absence of conclusive functional and genetic evidence.